The following is an entry in ClinVar:

NM_004006.3(DMD):c.3309_3313del (p.Ser1104fs)

Gene: DMD (dystrophin; minus strand). Cytogenetic location: Xp21.1.
Variant type: Deletion.
Coding change: c.3309_3313del on transcript NM_004006.3 (MANE Select); coding-DNA positions 3309 to 3313, 5 bases deleted (CAGTC; older notation c.3309_3313delCAGTC).
Protein change: p.Ser1104fs; shifts the reading frame from serine 1104.
Molecular consequence: frameshift variant.
Genome position (GRCh38, 1-based): chrX:32,463,558-32,463,562, GACTG deleted on the plus strand (CAGTC on the coding strand, the reverse complement: DMD is on the minus strand); deleting any 5 consecutive bases within chrX:32,463,558-32,463,563 gives the same sequence; the c. name uses the placement nearest the transcript's 3' end. VCF-style (leftmost placement, unchanged base first): chrX-32463557-AGACTG-A. GRCh37 (hg19) VCF-style: chrX-32481674-AGACTG-A.
Other names: c.3285_3289del, p.Ser1096fs (NM_000109.4); c.3297_3301del, p.Ser1100fs (NM_004009.3); c.2940_2944del, p.Ser981fs (NM_004010.3); short protein forms S981fs, S1096fs, S1100fs, S1104fs.
Identifiers: ClinVar variation 502225 (VCV000502225.8), dbSNP rs1557369493, ClinGen allele CA658799652.
Genomic context (GRCh38, chrX:32,463,557, plus strand): 5'-GAAGCAAACTCTGGCTCTGCTTCATTCTTTATCTTCTGCCCACCTTCATTGACACTGTTT[AGACTG>A]GGCTGAATTGTCTGAATATCACTGACTAAAAGCTAAGAAAATAAATCAATTTAAGCCAGC-3'

ClinVar aggregate classification (germline): Pathogenic. Review status: criteria provided, multiple submitters, no conflicts (2 of 4 stars). 2 submissions from 2 submitters: Pathogenic (2). Last evaluated 2023-12-12.

Conditions:
Duchenne muscular dystrophy (DMD). Also called: MUSCULAR DYSTROPHY, PSEUDOHYPERTROPHIC PROGRESSIVE, DUCHENNE TYPE; Duchenne Muscular Dystrophy (DMD). Identifiers: Orphanet 98896, MedGen C0013264, MONDO:0010679, OMIM 310200.

Submissions (2):

Labcorp Genetics (formerly Invitae), Labcorp
Classification: Pathogenic for Duchenne muscular dystrophy. Last evaluated: 2023-12-12. Review status: criteria provided, single submitter. Criteria: Invitae Variant Classification Sherloc (09022015). Collection method: clinical testing. Allele origin: germline.
Comment: This sequence change creates a premature translational stop signal (p.Ser1104Lysfs*5) in the DMD gene. It is expected to result in an absent or disrupted protein product. Loss-of-function variants in DMD are known to be pathogenic (PMID: 16770791, 25007885). This variant is not present in population databases (gnomAD no frequency). This variant has not been reported in the literature in individuals affected with DMD-related conditions. ClinVar contains an entry for this variant (Variation ID: 502225). For these reasons, this variant has been classified as Pathogenic.

Eurofins Ntd Llc (ga)
Classification: Pathogenic. Last evaluated: 2017-06-06. Review status: criteria provided, single submitter. Criteria: EGL Classification Definitions 2015. Collection method: clinical testing. Allele origin: germline. Observed: 2 variant alleles, 2 hemizygotes.

Literature cited by the submitters: PubMed 16770791 (cited by Labcorp Genetics (formerly Invitae), Labcorp); PubMed 25007885 (cited by Labcorp Genetics (formerly Invitae), Labcorp).